The following is an entry in ClinVar:

NM_014989.7(RIMS1):c.3737+6T>A

Gene: RIMS1 (regulating synaptic membrane exocytosis 1; plus strand). Cytogenetic location: 6q13.
Variant type: single nucleotide variant.
Coding change: c.3737+6T>A on transcript NM_014989.7 (MANE Select); 6 bases into the intron after coding-DNA position 3737, T replaced by A.
Molecular consequence: intron variant.
Genome position (GRCh38, 1-based): chr6:72,290,867, T>A. VCF-style: chr6-72290867-T-A. GRCh37 (hg19) VCF-style: chr6-73000570-T-A.
Other names: c.1632-1067T>A (NM_001350428.2); c.1560-1067T>A (NM_001350459.2, NM_001350424.2); c.1641-1067T>A (NM_001350437.2); c.1629-1067T>A (NM_001350430.2, NM_001350414.2, NM_001350439.2 and 2 more transcripts); c.1557-1067T>A (NM_001350421.2, NM_001350450.2); c.1707-1067T>A (NM_001350458.2); c.1785-1067T>A (NM_001350433.2); c.1883+6T>A (NM_001350446.2, NM_001350442.2); and 31 more.
Identifiers: ClinVar variation 3023823 (VCV003023823.3), dbSNP rs1335458983, ClinGen allele CA567674924.
Genomic context (GRCh38, chr6:72,290,867, plus strand): 5'-CTATGCACCACCTTGTCCCTGGAGGGTCGGCGCCACCTTCTCCGCTTCTGACAAGGTCGC[T>A]ATTCAGTGTCCCCCTCAGCATTCATGTCCTGCCTCCGGGTGTTGGTGTGGTGTTGTACCT-3'

ClinVar aggregate classification (germline): Uncertain significance (1 of 4 stars; one submission).

Allele frequency attached by ClinVar (database versions not stated): TOPMed below 0.00001.

Submission:

Labcorp Genetics (formerly Invitae), Labcorp
Classification: Uncertain significance. Last evaluated: 2023-03-16. Review status: criteria provided, single submitter. Criteria: Invitae Variant Classification Sherloc (09022015). Collection method: clinical testing. Allele origin: germline.
Comment: Variants that disrupt the consensus splice site are a relatively common cause of aberrant splicing (PMID: 17576681, 9536098). Algorithms developed to predict the effect of sequence changes on RNA splicing suggest that this variant may disrupt the consensus splice site. In summary, the available evidence is currently insufficient to determine the role of this variant in disease. Therefore, it has been classified as a Variant of Uncertain Significance. This variant has not been reported in the literature in individuals affected with RIMS1-related conditions. This variant is present in population databases (no rsID available, gnomAD 0.0009%). This sequence change falls in intron 25 of the RIMS1 gene. It does not directly change the encoded amino acid sequence of the RIMS1 protein. It affects a nucleotide within the consensus splice site.

Literature cited by the submitters: PubMed 17576681; PubMed 9536098.